The following is an entry in ClinVar:

NM_004655.4(AXIN2):c.2292G>T (p.Leu764Phe)

Gene: AXIN2 (axin 2; minus strand). Cytogenetic location: 17q24.1.
Variant type: single nucleotide variant.
Coding change: c.2292G>T on transcript NM_004655.4 (MANE Select); coding-DNA position 2292, G replaced by T.
Protein change: p.Leu764Phe; replaces leucine 764 with phenylalanine.
Molecular consequence: missense variant.
Genome position (GRCh38, 1-based): chr17:65,534,025, C>A on the plus strand (G>T on the coding strand, the complement: AXIN2 is on the minus strand). VCF-style: chr17-65534025-C-A. GRCh37 (hg19) VCF-style: chr17-63530143-C-A.
Other names: c.2097G>T, p.Leu699Phe (NM_001363813.1); short protein forms L764F, L699F.
Identifiers: ClinVar variation 4740884 (VCV004740884.1).

ClinVar aggregate classification (germline): Uncertain significance (1 of 4 stars; one submission).

Conditions:
Oligodontia-cancer predisposition syndrome. Also called: TOOTH AGENESIS-COLORECTAL CANCER SYNDROME. Identifiers: Orphanet 300576, MedGen C1837750, MONDO:0012075, OMIM 608615. Disease mechanism: loss of function.

Submission:

Labcorp Genetics (formerly Invitae), Labcorp
Classification: Uncertain significance for Oligodontia-cancer predisposition syndrome. Last evaluated: 2025-12-01. Review status: criteria provided, single submitter. Criteria: Invitae Variant Classification Sherloc (09022015). Collection method: clinical testing. Allele origin: germline.
Comment: This sequence change replaces leucine, which is neutral and non-polar, with phenylalanine, which is neutral and non-polar, at codon 764 of the AXIN2 protein (p.Leu764Phe). This variant is not present in population databases (gnomAD no frequency). This variant has not been reported in the literature in individuals affected with AXIN2-related conditions. Invitae Evidence Modeling of protein sequence and biophysical properties (such as structural, functional, and spatial information, amino acid conservation, physicochemical variation, residue mobility, and thermodynamic stability) has been performed for this missense variant. However, the output from this modeling did not meet the statistical confidence thresholds required to predict the impact of this variant on AXIN2 protein function. In summary, the available evidence is currently insufficient to determine the role of this variant in disease. Therefore, it has been classified as a Variant of Uncertain Significance.